The following is an entry in ClinVar:

ClinVar aggregate classification (germline): Uncertain significance. Review status: criteria provided, multiple submitters, no conflicts (2 of 4 stars). 2 submissions from 2 submitters: Uncertain significance (2). Last evaluated 2025-07-02.

Conditions:
Inborn genetic diseases. Identifiers: MedGen C0950123, MeSH D030342.
Ethylmalonic encephalopathy (EE). Also called: EPEMA syndrome; Encephalopathy, petechiae, and ethylmalonic aciduria; Syndrome of encephalopathy, petechiae, and ethylmalonic aciduria. Identifiers: Orphanet 51188, MedGen C1865349, MONDO:0011229, OMIM 602473. Disease mechanism: loss of function.

Allele frequency attached by ClinVar (database versions not stated): gnomAD 0.00001; TOPMed 0.00001.
gnomAD v4.1: 7 of 1,613,638 alleles (0.00043%); highest among the groups gnomAD compares: Admixed American, 0.01%; no homozygotes.

Submissions (2):

Ambry Genetics
Classification: Uncertain significance for Inborn genetic diseases. Last evaluated: 2025-07-02. Review status: criteria provided, single submitter. Criteria: Ambry Variant Classification Scheme 2023. Collection method: clinical testing. Allele origin: germline.

Labcorp Genetics (formerly Invitae), Labcorp
Classification: Uncertain significance for Ethylmalonic encephalopathy. Last evaluated: 2022-09-01. Review status: criteria provided, single submitter. Criteria: Invitae Variant Classification Sherloc (09022015). Collection method: clinical testing. Allele origin: germline.
Comment: This sequence change replaces alanine, which is neutral and non-polar, with threonine, which is neutral and polar, at codon 131 of the ETHE1 protein (p.Ala131Thr). This variant is present in population databases (no rsID available, gnomAD 0.01%). This variant has not been reported in the literature in individuals affected with ETHE1-related conditions. Advanced modeling of protein sequence and biophysical properties (such as structural, functional, and spatial information, amino acid conservation, physicochemical variation, residue mobility, and thermodynamic stability) performed at Invitae indicates that this missense variant is not expected to disrupt ETHE1 protein function. In summary, the available evidence is currently insufficient to determine the role of this variant in disease. Therefore, it has been classified as a Variant of Uncertain Significance.

NM_014297.5(ETHE1):c.391G>A (p.Ala131Thr)

Gene: ETHE1 (ETHE1 persulfide dioxygenase; minus strand). Cytogenetic location: 19q13.31.
Variant type: single nucleotide variant.
Coding change: c.391G>A on transcript NM_014297.5 (MANE Select); coding-DNA position 391, G replaced by A.
Protein change: p.Ala131Thr; replaces alanine 131 with threonine.
Molecular consequence: missense variant.
Genome position (GRCh38, 1-based): chr19:43,511,551, C>T on the plus strand (G>A on the coding strand, the complement: ETHE1 is on the minus strand). VCF-style: chr19-43511551-C-T. GRCh37 (hg19) VCF-style: chr19-44015703-C-T.
Other names: c.391G>A (NM_014297.3); c.358G>A, p.Ala120Thr (NM_001320867.2); c.22G>A, p.Ala8Thr (NM_001320868.2); c.97G>A, p.Ala33Thr (NM_001320869.2); short protein forms A33T, A131T, A8T, A120T.
Identifiers: ClinVar variation 2159839 (VCV002159839.2), dbSNP rs1017886002, ClinGen allele CA308743618.